The following is an entry in ClinVar:

ClinVar aggregate classification (germline): Likely benign. Review status: criteria provided, multiple submitters, no conflicts (2 of 4 stars). 2 submissions from 2 submitters: Likely benign (2). Last evaluated 2024-10-15.

Conditions:
Hereditary diffuse gastric adenocarcinoma (HDGC). Also called: DIFFUSE GASTRIC AND LOBULAR BREAST CANCER SYNDROME. Identifiers: Orphanet 26106, MedGen C1708349, MONDO:0007648, OMIM 137215.

Submissions (2):

Myriad Genetics, Inc.
Classification: Likely benign for Hereditary diffuse gastric adenocarcinoma. Last evaluated: 2024-10-15. Review status: criteria provided, single submitter. Criteria: Myriad Autosomal Dominant, Autosomal Recessive and X-Linked Classification Criteria (2023). Collection method: clinical testing. Allele origin: unknown.
Comment: This variant is considered likely benign. This variant is intronic and is not expected to impact mRNA splicing.

Labcorp Genetics (formerly Invitae), Labcorp
Classification: Likely benign. Last evaluated: 2024-04-11. Review status: criteria provided, single submitter. Criteria: Invitae Variant Classification Sherloc (09022015). Collection method: clinical testing. Allele origin: germline.

NM_001903.5(CTNNA1):c.2434-10dup

Gene: CTNNA1 (catenin alpha 1; plus strand). Cytogenetic location: 5q31.2.
Variant type: Duplication.
Coding change: c.2434-10dup on transcript NM_001903.5 (MANE Select); 10 bases into the intron before coding-DNA position 2434, one base duplicated (T; older notation c.2434-10dupT).
Molecular consequence: intron variant.
Genome position (GRCh38, 1-based): chr5:138,933,792, T duplicated. VCF-style (leftmost placement, unchanged base first): chr5-138933791-C-CT. GRCh37 (hg19) VCF-style: chr5-138269480-C-CT.
Other names: c.2434-37dup (NM_001323985.2); c.2341-10dup (NM_001323986.2); c.2065-10dup (NM_001290310.3); c.2434-10dup (NM_001323982.2, NM_001323984.2, NM_001323983.1); c.2505-10dup (NM_001290307.3); c.2125-10dup (NM_001290309.3); c.1324-10dup (NM_001323996.1, NM_001323993.1, NM_001323998.1 and 12 more transcripts); c.1395-10dup (NM_001324005.1, NM_001324003.1, NM_001324002.1 and 1 more transcripts); and 4 more.
Identifiers: ClinVar variation 2723914 (VCV002723914.4), dbSNP rs2533947158, ClinGen allele CA2697546515.